The following is an entry in ClinVar:

NM_003036.4(SKI):c.2007C>T (p.Asp669=)

Gene: SKI (SKI proto-oncogene; plus strand). Cytogenetic location: 1p36.32.
Variant type: single nucleotide variant.
Coding change: c.2007C>T on transcript NM_003036.4 (MANE Select); coding-DNA position 2007, C replaced by T.
Protein change: p.Asp669=; no amino-acid change (aspartic acid 669 retained).
Molecular consequence: synonymous variant.
Genome position (GRCh38, 1-based): chr1:2,306,585, C>T. VCF-style: chr1-2306585-C-T. GRCh37 (hg19) VCF-style: chr1-2238024-C-T.
Identifiers: ClinVar variation 432935 (VCV000432935.14), dbSNP rs750838146, ClinGen allele CA16898417.

ClinVar aggregate classification (germline): Likely benign. Review status: criteria provided, multiple submitters, no conflicts (2 of 4 stars). 3 submissions from 3 submitters: Likely benign (3). Last evaluated 2025-10-27.

Conditions:
Shprintzen-Goldberg syndrome (SGS). Also called: SHPRINTZEN-GOLDBERG CRANIOSYNOSTOSIS SYNDROME; CRANIOSYNOSTOSIS WITH ARACHNODACTYLY AND ABDOMINAL HERNIAS; Marfanoid disorder with craniosynostosis type 1; Marfanoid craniosynostosis syndrome; Shprintzen-Goldberg marfanoid syndrome. Identifiers: Orphanet 2462, MedGen C1321551, MONDO:0008426, OMIM 182212.
Familial thoracic aortic aneurysm and aortic dissection (TAAD). Also called: Thoracic aortic aneurysms and dissections. Identifiers: Orphanet 91387, MedGen C4707243, MONDO:0019625.

Allele frequency attached by ClinVar (database versions not stated): TOPMed 0.00008.
gnomAD v4.1: 19 of 1,542,766 alleles (0.0012%); highest among the groups gnomAD compares: East Asian, 0.012%; no homozygotes.

Submissions (3):

Labcorp Genetics (formerly Invitae), Labcorp
Classification: Likely benign for Shprintzen-Goldberg syndrome. Last evaluated: 2025-10-27. Review status: criteria provided, single submitter. Criteria: Invitae Variant Classification Sherloc (09022015). Collection method: clinical testing. Allele origin: germline.

GeneDx
Classification: Likely benign. Last evaluated: 2017-07-05. Review status: criteria provided, single submitter. Criteria: GeneDx Variant Classification (06012015). Collection method: clinical testing. Allele origin: germline. Affected: yes.
Comment: This variant is considered likely benign or benign based on one or more of the following criteria: it is a conservative change, it occurs at a poorly conserved position in the protein, it is predicted to be benign by multiple in silico algorithms, and/or has population frequency not consistent with disease.

Ambry Genetics
Classification: Likely benign for Familial thoracic aortic aneurysm and aortic dissection. Last evaluated: 2017-05-03. Review status: criteria provided, single submitter. Criteria: Ambry Variant Classification Scheme 2023. Collection method: clinical testing. Allele origin: germline.